The following is an entry in ClinVar:

NM_000038.6(APC):c.1687_1688del (p.Leu563fs)

Gene: APC (APC regulator of Wnt signaling pathway; plus strand). Cytogenetic location: 5q22.2.
Variant type: Deletion.
Coding change: c.1687_1688del on transcript NM_000038.6 (MANE Select); coding-DNA positions 1687 to 1688, 2 bases deleted (TT; older notation c.1687_1688delTT).
Protein change: p.Leu563fs; shifts the reading frame from leucine 563.
Molecular consequence: frameshift variant.
Genome position (GRCh38, 1-based): chr5:112,828,916-112,828,917, TT deleted. VCF-style (leftmost placement, unchanged base first): chr5-112828915-GTT-G. GRCh37 (hg19) VCF-style: chr5-112164612-GTT-G.
Other names: c.1666_1667del, p.Leu556fs (NM_001407451.1); c.1657_1658del, p.Leu553fs (NM_001407452.1); c.1438_1439del, p.Leu480fs (NM_001407457.1, NM_001407454.1, NM_001407455.1 and 1 more transcripts); c.1510_1511del, p.Leu504fs (NM_001407453.1, NM_001354901.2); c.1687_1688del, p.Leu563fs (NM_001127510.3, NM_001354895.2, NM_001407450.1); c.1633_1634del, p.Leu545fs (NM_001127511.3); c.1741_1742del, p.Leu581fs (NM_001354896.2, NM_001407447.1, NM_001407448.1 and 1 more transcripts); c.1717_1718del, p.Leu573fs (NM_001354897.2); and 11 more; short protein forms L179fs, L280fs, L403fs, L434fs, L437fs, L462fs, L472fs, L480fs.
Identifiers: ClinVar variation 2583889 (VCV002583889.1), dbSNP rs2533244223, ClinGen allele CA2582341396.
Genomic context (GRCh38, chr5:112,828,915, plus strand): 5'-GGTTATTGCGAGTGTTTTGAGGAATTTGTCTTGGCGAGCAGATGTAAATAGTAAAAAGAC[GTT>G]GCGAGAAGTTGGAAGTGTGAAAGCATTGATGGAATGTGCTTTAGAAGTTAAAAAGGTACC-3'

ClinVar aggregate classification (germline): Pathogenic (1 of 4 stars; one submission).

Conditions:
Familial adenomatous polyposis 1 (FAP1). Also called: FAMILIAL ADENOMATOUS POLYPOSIS 1, ATTENUATED; POLYPOSIS, ADENOMATOUS INTESTINAL. Identifiers: MedGen C2713442, MONDO:0021056, OMIM 175100. Disease mechanism: loss of function.

Submission:

Myriad Genetics, Inc.
Classification: Pathogenic for Familial adenomatous polyposis 1. Last evaluated: 2023-05-02. Review status: criteria provided, single submitter. Criteria: Myriad Autosomal Dominant, Autosomal Recessive and X-Linked Classification Criteria (2023). Collection method: clinical testing. Allele origin: unknown.
Comment: This variant is considered pathogenic. This variant creates a frameshift predicted to result in premature protein truncation.